The following is an entry in ClinVar:

ClinVar aggregate classification (germline): Conflicting classifications of pathogenicity. Review status: criteria provided, conflicting classifications (1 of 4 stars). 2 submissions from 2 submitters: Uncertain significance (1); Likely benign (1). Last evaluated 2026-07-01.

Conditions:
Fanconi anemia (FA). Also called: Fanconi's anemia. Identifiers: Orphanet 84, MedGen C0015625, MeSH D005199, MONDO:0019391.

Allele frequency attached by ClinVar (database versions not stated): gnomAD exomes below 0.00001; TOPMed below 0.00001; gnomAD 0.00001.
gnomAD v4.1: 5 of 1,206,541 alleles (0.00041%); highest among the groups gnomAD compares: Non-Finnish European, 0.00056%; no homozygotes.

Submissions (2):

CeGaT Center for Human Genetics Tuebingen
Classification: Uncertain significance. Last evaluated: 2026-07-01. Review status: criteria provided, single submitter. Criteria: CeGaT Center For Human Genetics Tuebingen Variant Classification Criteria Version 2. Collection method: clinical testing. Allele origin: germline. Affected: yes. Observed: 1 variant allele.
Comment: FANCB: PM2

Labcorp Genetics (formerly Invitae), Labcorp
Classification: Likely benign for Fanconi anemia. Last evaluated: 2023-11-18. Review status: criteria provided, single submitter. Criteria: Invitae Variant Classification Sherloc (09022015). Collection method: clinical testing. Allele origin: germline.

NM_001018113.3(FANCB):c.2280A>T (p.Ala760=)

Gene: FANCB (FA complementation group B; minus strand). Cytogenetic location: Xp22.2.
Variant type: single nucleotide variant.
Coding change: c.2280A>T on transcript NM_001018113.3 (MANE Select); coding-DNA position 2280, A replaced by T.
Protein change: p.Ala760=; no amino-acid change (alanine 760 retained).
Molecular consequence: synonymous variant.
Genome position (GRCh38, 1-based): chrX:14,843,867, T>A on the plus strand (A>T on the coding strand, the complement: FANCB is on the minus strand). VCF-style: chrX-14843867-T-A. GRCh37 (hg19) VCF-style: chrX-14861989-T-A.
Other names: c.2280A>T, p.Ala760= (NM_001324162.2, NM_001410764.1, NM_152633.4).
Identifiers: ClinVar variation 2719765 (VCV002719765.4), dbSNP rs1025182355, ClinGen allele CA327057528.